The following is an entry in ClinVar:

NM_014391.3(ANKRD1):c.944G>C (p.Arg315Pro)

Gene: ANKRD1 (ankyrin repeat domain 1; minus strand). Cytogenetic location: 10q23.31.
Variant type: single nucleotide variant.
Coding change: c.944G>C on transcript NM_014391.3 (MANE Select); coding-DNA position 944, G replaced by C.
Protein change: p.Arg315Pro; replaces arginine 315 with proline.
Molecular consequence: missense variant.
Genome position (GRCh38, 1-based): chr10:90,912,882, C>G on the plus strand (G>C on the coding strand, the complement: ANKRD1 is on the minus strand). VCF-style: chr10-90912882-C-G. GRCh37 (hg19) VCF-style: chr10-92672639-C-G.
Other names: short protein forms R315P.
Identifiers: ClinVar variation 518679 (VCV000518679.17), dbSNP rs746392266, ClinGen allele CA211419003.

ClinVar aggregate classification (germline): Conflicting classifications of pathogenicity. Review status: criteria provided, conflicting classifications (1 of 4 stars). 4 submissions from 4 submitters: Uncertain significance (3); Likely benign (1). Last evaluated 2025-07-21.

Conditions:
ANKRD1-related dilated cardiomyopathy. Identifiers: MedGen CN119551.
Primary familial hypertrophic cardiomyopathy (HCM). Identifiers: Orphanet 99739, MedGen C0949658, MeSH D024741, MONDO:0024573. Inheritance: Various modes of inheritance.
Cardiovascular phenotype. Identifiers: MedGen CN230736.

Allele frequency attached by ClinVar (database versions not stated): TOPMed 0.00002; gnomAD 0.00003.
gnomAD v4.1: 16 of 1,613,700 alleles (0.00099%); highest among the groups gnomAD compares: Admixed American, 0.0017%; no homozygotes.

Submissions (4):

Ambry Genetics
Classification: Likely benign for Cardiovascular phenotype. Last evaluated: 2025-07-21. Review status: criteria provided, single submitter. Criteria: Ambry Variant Classification Scheme 2023. Collection method: clinical testing. Allele origin: germline.

Labcorp Genetics (formerly Invitae), Labcorp
Classification: Uncertain significance for ANKRD1-related dilated cardiomyopathy. Last evaluated: 2023-12-26. Review status: criteria provided, single submitter. Criteria: Invitae Variant Classification Sherloc (09022015). Collection method: clinical testing. Allele origin: germline.
Comment: This sequence change replaces arginine, which is basic and polar, with proline, which is neutral and non-polar, at codon 315 of the ANKRD1 protein (p.Arg315Pro). This variant is present in population databases (no rsID available, gnomAD 0.002%). This variant has not been reported in the literature in individuals affected with ANKRD1-related conditions. ClinVar contains an entry for this variant (Variation ID: 518679). An algorithm developed to predict the effect of missense changes on protein structure and function (PolyPhen-2) suggests that this variant is likely to be tolerated. In summary, the available evidence is currently insufficient to determine the role of this variant in disease. Therefore, it has been classified as a Variant of Uncertain Significance.

Stanford Center for Inherited Cardiovascular Disease, Stanford University
Classification: Uncertain significance. Last evaluated: 2016-11-10. Review status: criteria provided, single submitter. Criteria: ACMG Guidelines, 2015. Collection method: provider interpretation. Allele origin: germline.

Molecular Diagnostic Laboratory for Inherited Cardiovascular Disease, Montreal Heart Institute
Classification: Uncertain significance for Primary familial hypertrophic cardiomyopathy. Review status: criteria provided, single submitter. Criteria: ACMG Guidelines, 2015. Collection method: clinical testing. Allele origin: germline. Affected: yes.